The following is an entry in ClinVar:

ClinVar aggregate classification (germline): Uncertain significance (1 of 4 stars; one submission).

Conditions:
Cardiovascular phenotype. Identifiers: MedGen CN230736.

Allele frequency attached by ClinVar (database versions not stated): gnomAD 0.00001; TOPMed 0.00001.
gnomAD v4.1: 2 of 1,547,866 alleles (0.00013%); highest among the groups gnomAD compares: African/African-American, 0.0028%; no homozygotes.

Submission:

Ambry Genetics
Classification: Uncertain significance for Cardiovascular phenotype. Last evaluated: 2022-12-25. Review status: criteria provided, single submitter. Criteria: Ambry Variant Classification Scheme 2023. Collection method: clinical testing. Allele origin: germline.
Comment: The p.A434P variant (also known as c.1300G>C), located in coding exon 2 of the TNXB gene, results from a G to C substitution at nucleotide position 1300. The alanine at codon 434 is replaced by proline, an amino acid with highly similar properties. This amino acid position is conserved. In addition, this alteration is predicted to be tolerated by in silico analysis. Since supporting evidence is limited at this time, the clinical significance of this alteration remains unclear.

NM_001365276.2(TNXB):c.1300G>C (p.Ala434Pro)

Gene: TNXB (tenascin XB; minus strand). Cytogenetic location: 6p21.33.
Variant type: single nucleotide variant.
Coding change: c.1300G>C on transcript NM_001365276.2 (MANE Select); coding-DNA position 1300, G replaced by C.
Protein change: p.Ala434Pro; replaces alanine 434 with proline.
Molecular consequence: missense variant.
Genome position (GRCh38, 1-based): chr6:32,096,553, C>G on the plus strand (G>C on the coding strand, the complement: TNXB is on the minus strand). VCF-style: chr6-32096553-C-G. GRCh37 (hg19) VCF-style: chr6-32064330-C-G.
Other names: c.1300G>C, p.Ala434Pro (NM_019105.8); short protein forms A434P.
Identifiers: ClinVar variation 2446958 (VCV002446958.2), dbSNP rs1028680543, ClinGen allele CA136906180.